The following is an entry in ClinVar:

NM_018026.4(PACS1):c.1760G>A (p.Arg587Gln)

Gene: PACS1 (phosphofurin acidic cluster sorting protein 1; plus strand). Cytogenetic location: 11q13.2.
Variant type: single nucleotide variant.
Coding change: c.1760G>A on transcript NM_018026.4 (MANE Select); coding-DNA position 1760, G replaced by A.
Protein change: p.Arg587Gln; replaces arginine 587 with glutamine.
Molecular consequence: missense variant.
Genome position (GRCh38, 1-based): chr11:66,232,988, G>A. VCF-style: chr11-66232988-G-A. GRCh37 (hg19) VCF-style: chr11-66000459-G-A.
Other names: c.1760G>A (NM_018026.2); short protein forms R587Q.
Identifiers: ClinVar variation 1217779 (VCV001217779.37), dbSNP rs201700614, ClinGen allele CA6116668.

ClinVar aggregate classification (germline): Conflicting classifications of pathogenicity. Review status: criteria provided, conflicting classifications (1 of 4 stars). 4 submissions from 4 submitters: Uncertain significance (1); Likely benign (3). Last evaluated 2025-03-24.

Conditions:
Schuurs-Hoeijmakers syndrome. Also called: PACS1-Related Neurodevelopmental Disorder. Identifiers: Orphanet 329224, MedGen C3554343, MONDO:0014006, OMIM 615009.
Inborn genetic diseases. Identifiers: MedGen C0950123, MeSH D030342.

Allele frequency attached by ClinVar (database versions not stated): gnomAD 0.00004 and 0.00006; ExAC 0.00005; gnomAD exomes 0.00007 and 0.00010; TOPMed 0.00010; ESP Exome Variant Server 0.00015.
gnomAD v4.1: 147 of 1,612,856 alleles (0.0091%); highest among the groups gnomAD compares: Non-Finnish European, 0.011%; no homozygotes.

Submissions (4):

Labcorp Genetics (formerly Invitae), Labcorp
Classification: Uncertain significance for Schuurs-Hoeijmakers syndrome. Last evaluated: 2025-03-24. Review status: criteria provided, single submitter. Criteria: Invitae Variant Classification Sherloc (09022015). Collection method: clinical testing. Allele origin: germline.
Comment: This sequence change replaces arginine, which is basic and polar, with glutamine, which is neutral and polar, at codon 587 of the PACS1 protein (p.Arg587Gln). This variant is present in population databases (rs201700614, gnomAD 0.01%). This variant has not been reported in the literature in individuals affected with PACS1-related conditions. ClinVar contains an entry for this variant (Variation ID: 1217779). Invitae Evidence Modeling of protein sequence and biophysical properties (such as structural, functional, and spatial information, amino acid conservation, physicochemical variation, residue mobility, and thermodynamic stability) indicates that this missense variant is not expected to disrupt PACS1 protein function with a negative predictive value of 80%. In summary, the available evidence is currently insufficient to determine the role of this variant in disease. Therefore, it has been classified as a Variant of Uncertain Significance.

CeGaT Center for Human Genetics Tuebingen
Classification: Likely benign. Last evaluated: 2023-05-01. Review status: criteria provided, single submitter. Criteria: CeGaT Center For Human Genetics Tuebingen Variant Classification Criteria Version 2. Collection method: clinical testing. Allele origin: germline. Affected: yes. Observed: 1 variant allele.
Comment: PACS1: BP4

Ambry Genetics
Classification: Likely benign for Inborn genetic diseases. Last evaluated: 2023-04-12. Review status: criteria provided, single submitter. Criteria: Ambry Variant Classification Scheme 2023. Collection method: clinical testing. Allele origin: germline.

GeneDx
Classification: Likely benign. Last evaluated: 2020-08-31. Review status: criteria provided, single submitter. Criteria: GeneDx Variant Classification Process June 2021. Collection method: clinical testing. Allele origin: germline. Affected: yes.